The following is an entry in ClinVar:

NM_002108.4(HAL):c.-322T>C

Gene: HAL (histidine ammonia-lyase; minus strand). Cytogenetic location: 12q23.1.
Variant type: single nucleotide variant.
Coding change: c.-322T>C on transcript NM_002108.4 (MANE Select); 322 bases upstream of the start codon, T replaced by C.
Molecular consequence: 5 prime UTR variant.
Genome position (GRCh38, 1-based): chr12:95,996,318, A>G on the plus strand (T>C on the coding strand, the complement: HAL is on the minus strand). VCF-style: chr12-95996318-A-G. GRCh37 (hg19) VCF-style: chr12-96390096-A-G.
Other names: c.-879T>C (NM_001258333.2); c.-322T>C (NM_001258334.2).
Identifiers: ClinVar variation 310735 (VCV000310735.5), dbSNP rs77869005, ClinGen allele CA10638827.
Genomic context (GRCh38, chr12:95,996,318, plus strand): 5'-TCCCCAATTTCTCTCTCTTCCCTCGTTTCTGTCTGTGTTCTCTGCCATTAAGGGCAGCTT[A>G]TAAACACCATGTTCCTGTCTTTATCTGAGATTACTCAACTGTAAAACGTGTTCTGTGGGC-3'

ClinVar aggregate classification (germline): Likely benign (1 of 4 stars; one submission).

Conditions:
Histidinemia. Also called: Hyperhistidinemia; Deficiency of histidine ammonia-lyase; HAL DEFICIENCY; HIS DEFICIENCY; HISTIDASE DEFICIENCY; HISTIDINE AMMONIA-LYASE DEFICIENCY. Identifiers: Orphanet 2157, MedGen C0220992, MONDO:0009345, OMIM 235800, HP:0010906.

Allele frequency attached by ClinVar (database versions not stated): gnomAD 0.00170 and 0.00243; TOPMed 0.00297; gnomAD exomes 0.00347; 1000 Genomes Project 30x 0.01093; 1000 Genomes Project 0.01158.
gnomAD v4.1: 767 of 266,572 alleles (0.29%); highest among the groups gnomAD compares: East Asian, 5.2%; 13 homozygotes.

Submission:

Illumina Laboratory Services, Illumina
Classification: Likely benign for Histidinemia. Last evaluated: 2018-01-13. Review status: criteria provided, single submitter. Criteria: ICSL Variant Classification Criteria 13 December 2019. Collection method: clinical testing. Allele origin: germline.
Comment: This variant was observed in the ICSL laboratory as part of a predisposition screen in an ostensibly healthy population. It had not been previously curated by ICSL or reported in the Human Gene Mutation Database (HGMD: prior to June 1st, 2018), and was therefore a candidate for classification through an automated scoring system. Utilizing variant allele frequency, disease prevalence and penetrance estimates, and inheritance mode, an automated score was calculated to assess if this variant is too frequent to cause the disease. Based on the score and internal cut-off values, a variant classified as likely benign is not then subjected to further curation. The score for this variant resulted in a classification of likely benign for this disease.